The following is an entry in ClinVar:

ClinVar aggregate classification (germline): Conflicting classifications of pathogenicity. Review status: criteria provided, conflicting classifications (1 of 4 stars). 2 submissions from 2 submitters: Uncertain significance (1); Likely benign (1). Last evaluated 2026-02-17.

Submissions (2):

GeneDx
Classification: Uncertain significance. Last evaluated: 2026-02-17. Review status: criteria provided, single submitter. Criteria: GeneDx Variant Classification Process June 2021. Collection method: clinical testing. Allele origin: germline.
Comment: In silico analysis supports a deleterious effect on protein structure/function; Has not been previously published as pathogenic or benign to our knowledge

Labcorp Genetics (formerly Invitae), Labcorp
Classification: Likely benign. Last evaluated: 2026-01-28. Review status: criteria provided, single submitter. Criteria: Invitae Variant Classification Sherloc (09022015). Collection method: clinical testing. Allele origin: germline.

NM_020632.3(ATP6V0A4):c.1739_1740inv (p.Met580Thr)

Gene: ATP6V0A4 (ATPase H+ transporting V0 subunit a4; minus strand). Cytogenetic location: 7q34.
Variant type: Inversion.
Coding change: c.1739_1740inv on transcript NM_020632.3 (MANE Select).
Protein change: p.Met580Thr; replaces methionine 580 with threonine.
Molecular consequence: missense variant.
Genome position: GRCh38 VCF-style: chr7-138733045-CA-TG. GRCh37 (hg19) VCF-style: chr7-138417790-CA-TG.
Other names: c.1739_1740delinsCA (NM_020632.2); c.1739_1740inv, p.Met580Thr (NM_130840.3, NM_130841.3); short protein forms M580T.
Identifiers: ClinVar variation 2188863 (VCV002188863.5), ClinGen allele CA2580077501.